The following is an entry in ClinVar:

ClinVar aggregate classification (germline): Uncertain significance. Review status: criteria provided, multiple submitters, no conflicts (2 of 4 stars). 2 submissions from 2 submitters: Uncertain significance (2). Last evaluated 2025-12-08.

Conditions:
Inborn genetic diseases. Identifiers: MedGen C0950123, MeSH D030342.
Congenital myopathy with internal nuclei and atypical cores. Also called: Myopathy, centronuclear, 4. Identifiers: Orphanet 319160, MedGen C4707232, MONDO:0013890, OMIM 614807.

Allele frequency attached by ClinVar (database versions not stated): ExAC 0.00003; gnomAD 0.00003; ESP Exome Variant Server 0.00023.

Submissions (2):

Labcorp Genetics (formerly Invitae), Labcorp
Classification: Uncertain significance for Congenital myopathy with internal nuclei and atypical cores. Last evaluated: 2025-12-08. Review status: criteria provided, single submitter. Criteria: Invitae Variant Classification Sherloc (09022015). Collection method: clinical testing. Allele origin: germline.
Comment: This sequence change replaces arginine, which is basic and polar, with tryptophan, which is neutral and slightly polar, at codon 123 of the CCDC78 protein (p.Arg123Trp). This variant is present in population databases (rs144406163, gnomAD 0.006%). This variant has not been reported in the literature in individuals affected with CCDC78-related conditions. ClinVar contains an entry for this variant (Variation ID: 1367144). Invitae Evidence Modeling of protein sequence and biophysical properties (such as structural, functional, and spatial information, amino acid conservation, physicochemical variation, residue mobility, and thermodynamic stability) indicates that this missense variant is not expected to disrupt CCDC78 protein function with a negative predictive value of 80%. In summary, the available evidence is currently insufficient to determine the role of this variant in disease. Therefore, it has been classified as a Variant of Uncertain Significance.

Ambry Genetics
Classification: Uncertain significance for Inborn genetic diseases. Last evaluated: 2024-01-03. Review status: criteria provided, single submitter. Criteria: Ambry Variant Classification Scheme 2023. Collection method: clinical testing. Allele origin: germline.

NM_001378030.1(CCDC78):c.367C>T (p.Arg123Trp)

Gene: CCDC78 (coiled-coil domain containing 78; minus strand). Cytogenetic location: 16p13.3.
Variant type: single nucleotide variant.
Coding change: c.367C>T on transcript NM_001378030.1 (MANE Select); coding-DNA position 367, C replaced by T.
Protein change: p.Arg123Trp; replaces arginine 123 with tryptophan.
Molecular consequence: missense variant. On other transcripts: non-coding transcript variant (5), intron variant (1).
Genome position (GRCh38, 1-based): chr16:725,481, G>A on the plus strand (C>T on the coding strand, the complement: CCDC78 is on the minus strand). VCF-style: chr16-725481-G-A. GRCh37 (hg19) VCF-style: chr16-775481-G-A.
Other names: c.367C>T, p.Arg123Trp (NM_001031737.3, NM_001378031.1); c.-18-188C>T (NM_001378033.1); c.367C>T (NM_001031737.2); short protein forms R123W.
Identifiers: ClinVar variation 1367144 (VCV001367144.7), dbSNP rs144406163, ClinGen allele CA7789637.